The following is an entry in ClinVar:

ClinVar aggregate classification (germline): Uncertain significance (1 of 4 stars; one submission).

Conditions:
Ornithine carbamoyltransferase deficiency (OTCD). Also called: ORNITHINE TRANSCARBAMYLASE DEFICIENCY; ORNITHINE TRANSCARBAMYLASE DEFICIENCY, HYPERAMMONEMIA DUE TO; OTC DEFICIENCY; Ornithine Carbamoyltransferase Deficiency Disease. Identifiers: Orphanet 664, MedGen C0268542, MONDO:0010703, OMIM 311250.

gnomAD v4.1: 33 of 1,182,927 alleles (0.0028%); highest among the groups gnomAD compares: Non-Finnish European, 0.0036%; no homozygotes.

Submission:

Color Diagnostics, LLC DBA Color Health
Classification: Uncertain significance for Ornithine carbamoyltransferase deficiency. Last evaluated: 2025-08-04. Review status: criteria provided, single submitter. Criteria: ACMG Guidelines, 2015. Collection method: clinical testing. Allele origin: germline.
Comment: This missense variant replaces leucine with valine at codon 103 of the OTC protein. Computational prediction is inconclusive regarding the impact of this variant on protein structure and function. To our knowledge, functional studies have not been reported for this variant. This variant has not been reported in individuals affected with OTC-related disorders in the literature. This variant has been identified in 1/180678 chromosomes in the general population by the Genome Aggregation Database (gnomAD). The available evidence is insufficient to determine the role of this variant in disease conclusively. Therefore, this variant is classified as a Variant of Uncertain Significance.

NM_000531.6(OTC):c.307C>G (p.Leu103Val)

Gene: OTC (ornithine transcarbamylase; plus strand). Cytogenetic location: Xp11.4.
Variant type: single nucleotide variant.
Coding change: c.307C>G on transcript NM_000531.6 (MANE Select); coding-DNA position 307, C replaced by G.
Protein change: p.Leu103Val; replaces leucine 103 with valine.
Molecular consequence: missense variant.
Genome position (GRCh38, 1-based): chrX:38,381,350, C>G. VCF-style: chrX-38381350-C-G. GRCh37 (hg19) VCF-style: chrX-38240603-C-G.
Other names: c.307C>G, p.Leu103Val (NM_001407092.1); short protein forms L103V.
Identifiers: ClinVar variation 4758962 (VCV004758962.1).
Genomic context (GRCh38, chrX:38,381,350, plus strand): 5'-TCCACTTTAGTTGTTTTTTCAAAATGATTTTTTTCTTTTTTTTTTATTGTAGGCTTTGCA[C>G]TTCTGGGAGGACATCCTTGTTTTCTTACCACACAAGATATTCATTTGGGTGTGAATGAAA-3'
Protein context (NP_000522.3, residues 93-113): TRLSTETGFA[Leu103Val]LGGHPCFLTT